The following is an entry in ClinVar:

ClinVar aggregate classification (germline): Likely benign (0 of 4 stars; one submission).

Conditions:
SNX27-related disorder. Also called: SNX27-related condition.

Submission:

PreventionGenetics, part of Exact Sciences
Classification: Likely benign for SNX27-related condition. Last evaluated: 2019-02-26. Review status: no assertion criteria provided. Collection method: clinical testing. Allele origin: germline.
Comment: This variant is classified as likely benign based on ACMG/AMP sequence variant interpretation guidelines (Richards et al. 2015 PMID: 25741868, with internal and published modifications).

NM_001330723.2(SNX27):c.1240-9_1240-3dup

Gene: SNX27 (sorting nexin 27; plus strand). Cytogenetic location: 1q21.3.
Variant type: Duplication.
Coding change: c.1240-9_1240-3dup on transcript NM_001330723.2 (MANE Select); 9 bases into the intron before coding-DNA position 1240 through 3 bases into the intron before coding-DNA position 1240, 7 bases duplicated (TTTTTTT; older notation c.1240-9_1240-3dupTTTTTTT).
Molecular consequence: intron variant.
Genome position (GRCh38, 1-based): chr1:151,692,426-151,692,432, TTTTTTT duplicated; duplicating any 7 consecutive bases within chr1:151,692,407-151,692,432 gives the same sequence; the c. name uses the placement nearest the transcript's 3' end. VCF-style (leftmost placement, unchanged base first): chr1-151692406-C-CTTTTTTT. GRCh37 (hg19) VCF-style: chr1-151664882-C-CTTTTTTT.
Other names: c.1240-9_1240-3dup (NM_030918.6).
Identifiers: ClinVar variation 3034008 (VCV003034008.2), dbSNP rs61159507, ClinGen allele CA889374312.